The following is an entry in ClinVar:

NM_000270.4(PNP):c.246G>T (p.Gln82His)

Gene: PNP (purine nucleoside phosphorylase; plus strand). Cytogenetic location: 14q11.2.
Variant type: single nucleotide variant.
Coding change: c.246G>T on transcript NM_000270.4 (MANE Select); coding-DNA position 246, G replaced by T.
Protein change: p.Gln82His; replaces glutamine 82 with histidine.
Molecular consequence: missense variant.
Genome position (GRCh38, 1-based): chr14:20,474,536, G>T. VCF-style: chr14-20474536-G-T. GRCh37 (hg19) VCF-style: chr14-20942695-G-T.
Other names: short protein forms Q82H.
Identifiers: ClinVar variation 573884 (VCV000573884.6), dbSNP rs779297442, ClinGen allele CA389144969.

ClinVar aggregate classification (germline): Uncertain significance. Review status: criteria provided, multiple submitters, no conflicts (2 of 4 stars). 2 submissions from 2 submitters: Uncertain significance (2). Last evaluated 2021-11-28.

Conditions:
Purine-nucleoside phosphorylase deficiency. Also called: NUCLEOSIDE PHOSPHORYLASE DEFICIENCY; Immunodeficiency due to purine nucleoside phosphorylase deficiency. Identifiers: Orphanet 760, MedGen C0268125, MONDO:0013171, OMIM 613179.

Allele frequency attached by ClinVar (database versions not stated): gnomAD 0.00001 and 0.00002; TOPMed 0.00001.
gnomAD v4.1: 27 of 1,614,150 alleles (0.0017%); highest among the groups gnomAD compares: Non-Finnish European, 0.0023%; no homozygotes.

Submissions (2):

Labcorp Genetics (formerly Invitae), Labcorp
Classification: Uncertain significance for Purine-nucleoside phosphorylase deficiency. Last evaluated: 2021-11-28. Review status: criteria provided, single submitter. Criteria: Invitae Variant Classification Sherloc (09022015). Collection method: clinical testing. Allele origin: germline.
Comment: This sequence change replaces glutamine, which is neutral and polar, with histidine, which is basic and polar, at codon 82 of the PNP protein (p.Gln82His). This variant is present in population databases (no rsID available, gnomAD 0.002%). This variant has not been reported in the literature in individuals affected with PNP-related conditions. ClinVar contains an entry for this variant (Variation ID: 573884). Algorithms developed to predict the effect of missense changes on protein structure and function are either unavailable or do not agree on the potential impact of this missense change (SIFT: "Tolerated"; PolyPhen-2: "Probably Damaging"; Align-GVGD: "Class C0"). In summary, the available evidence is currently insufficient to determine the role of this variant in disease. Therefore, it has been classified as a Variant of Uncertain Significance.

Baylor Genetics
Classification: Uncertain significance for Purine-nucleoside phosphorylase deficiency. Last evaluated: 2019-02-06. Review status: criteria provided, single submitter. Criteria: ACMG Guidelines, 2015. Collection method: clinical testing. Allele origin: paternal. Affected: yes.
Comment: This variant was determined to be of uncertain significance according to ACMG Guidelines, 2015 [PMID:25741868].